The following is an entry in ClinVar:

NM_001199107.2(TBC1D24):c.1142+272T>C

Gene: TBC1D24 (TBC1 domain family member 24; plus strand). Cytogenetic location: 16p13.3.
Variant type: single nucleotide variant.
Coding change: c.1142+272T>C on transcript NM_001199107.2 (MANE Select); 272 bases into the intron after coding-DNA position 1142, T replaced by C.
Molecular consequence: intron variant.
Genome position (GRCh38, 1-based): chr16:2,498,668, T>C. VCF-style: chr16-2498668-T-C. GRCh37 (hg19) VCF-style: chr16-2548669-T-C.
Other names: c.1124+272T>C (NM_020705.3).
Identifiers: ClinVar variation 1213711 (VCV001213711.4), dbSNP rs2141874790, ClinGen allele CA2499223461.

ClinVar aggregate classification (germline): Uncertain significance (1 of 4 stars; one submission).

Conditions:
Developmental and epileptic encephalopathy, 16 (DEE16). Also called: Early infantile epileptic encephalopathy 16; TBC1D24-Related Developmental and Epileptic Encephalopathy (DEE). Identifiers: Orphanet 293181, Orphanet 352596, MedGen C3809173, MONDO:0014133, OMIM 615338.
Familial infantile myoclonic epilepsy (FIME). Also called: Epilepsy, Myoclonic, Infantile; TBC1D24-Related Familial Infantile Myoclonic Epilepsy (FIME). Identifiers: Orphanet 352582, MedGen C0917800, MONDO:0011506, OMIM 605021.
DOORS syndrome (DOORS). Also called: DEAFNESS, ONYCHODYSTROPHY, OSTEODYSTROPHY, IMPAIRED INTELLECTUAL DEVELOPMENT, AND SEIZURES SYNDROME; DRC SYNDROME; BRACHYDACTYLY DUE TO ABSENCE OF DISTAL PHALANGES; ERONEN SYNDROME; DOOR SYNDROME; Digitorenocerebral syndrome. Identifiers: Orphanet 3231, Orphanet 79500, MedGen C0795934, MONDO:0009079, OMIM 220500. Disease mechanism: loss of function.
Rolandic epilepsy-paroxysmal exercise-induced dystonia-writer's cramp syndrome. Also called: RE-PED-WC; TBC1D24-Related Rolandic Epilepsy with Paroxysmal Exercise-Induced Dystonia and Writer's Cramp (EPRPDC). Identifiers: Orphanet 163727, MedGen C1842531, MONDO:0011970, OMIM 608105.

Submission:

New York Genome Center
Classification: Uncertain significance for Developmental and epileptic encephalopathy, 16. Last evaluated: 2020-09-23. Review status: criteria provided, single submitter. Criteria: NYGC Assertion Criteria 2020. Collection method: clinical testing. Allele origin: de novo. Observed: 1 heterozygote. Study: CSER-NYCKidSeq.